The following is an entry in ClinVar:

ClinVar aggregate classification (germline): Benign (0 of 4 stars; one submission).

Conditions:
TARS1-related disorder. Also called: TARS1-related condition.

Allele frequency attached by ClinVar (database versions not stated): gnomAD exomes 0.00187; ExAC 0.00205; gnomAD 0.01939; 1000 Genomes Project 0.02117; TOPMed 0.02145; 1000 Genomes Project 30x 0.02311.
gnomAD v4.1: 5,641 of 1,534,822 alleles (0.37%); highest among the groups gnomAD compares: African/African-American, 6.8%; 167 homozygotes.

Submission:

PreventionGenetics, part of Exact Sciences
Classification: Benign for TARS1-related condition. Last evaluated: 2019-11-06. Review status: no assertion criteria provided. Collection method: clinical testing. Allele origin: germline.
Comment: This variant is classified as benign based on ACMG/AMP sequence variant interpretation guidelines (Richards et al. 2015 PMID: 25741868, with internal and published modifications).

NM_152295.5(TARS1):c.330-954C>T

Gene: TARS1 (threonyl-tRNA synthetase 1; plus strand). Cytogenetic location: 5p13.3.
Variant type: single nucleotide variant.
Coding change: c.330-954C>T on transcript NM_152295.5 (MANE Select); 954 bases into the intron before coding-DNA position 330, C replaced by T.
Molecular consequence: intron variant.
Genome position (GRCh38, 1-based): chr5:33,452,335, C>T. VCF-style: chr5-33452335-C-T. GRCh37 (hg19) VCF-style: chr5-33452440-C-T.
Other names: c.330-954C>T (NM_001258437.1); c.330-6C>T (NM_001258438.2).
Identifiers: ClinVar variation 3041502 (VCV003041502.2), dbSNP rs75334927, ClinGen allele CA3222971.